The following is an entry in ClinVar:

ClinVar aggregate classification (germline): Likely benign (0 of 4 stars; one submission).

Conditions:
SYNE2-related disorder. Also called: SYNE2-related condition.

Allele frequency attached by ClinVar (database versions not stated): gnomAD exomes below 0.00001; TOPMed below 0.00001; ExAC 0.00001; gnomAD 0.00001.
gnomAD v4.1: 7 of 1,614,050 alleles (0.00043%); highest among the groups gnomAD compares: Non-Finnish European, 0.00059%; no homozygotes.

Submission:

PreventionGenetics, part of Exact Sciences
Classification: Likely benign for SYNE2-related condition. Last evaluated: 2019-05-07. Review status: no assertion criteria provided. Collection method: clinical testing. Allele origin: germline.
Comment: This variant is classified as likely benign based on ACMG/AMP sequence variant interpretation guidelines (Richards et al. 2015 PMID: 25741868, with internal and published modifications).

NM_182914.3(SYNE2):c.13533A>G (p.Glu4511=)

Gene: SYNE2 (spectrin repeat containing nuclear envelope protein 2; plus strand). Cytogenetic location: 14q23.2.
Variant type: single nucleotide variant.
Coding change: c.13533A>G on transcript NM_182914.3 (MANE Select); coding-DNA position 13533, A replaced by G.
Protein change: p.Glu4511=; no amino-acid change (glutamic acid 4511 retained).
Molecular consequence: synonymous variant.
Genome position (GRCh38, 1-based): chr14:64,125,189, A>G. VCF-style: chr14-64125189-A-G. GRCh37 (hg19) VCF-style: chr14-64591907-A-G.
Other names: c.13533A>G, p.Glu4511= (NM_015180.6).
Identifiers: ClinVar variation 3038354 (VCV003038354.2), dbSNP rs748772021, ClinGen allele CA7222475.
Genomic context (GRCh38, chr14:64,125,189, plus strand): 5'-ATACCCAACAACTGAAGAACTGAAAACCTATACCACCCAACTTGAAGACCTGCGCCAAGA[A>G]GCAAGTAACCTTCAGACACAGGTAGAAGCTGCACACAATGTGTTTTCCTCATTGTAATAA-3'
Protein context (NP_878918.2, residues 4501-4521): YTTQLEDLRQ[Glu4511=]ASNLQTQENM